The following is an entry in ClinVar:

ClinVar aggregate classification (germline): Uncertain significance (1 of 4 stars; one submission).

Conditions:
Immunodeficiency 39 (IMD39). Identifiers: Orphanet 574918, MedGen C4225358, MONDO:0014597, OMIM 616345.

Allele frequency attached by ClinVar (database versions not stated): TOPMed 0.00001.

Submission:

Labcorp Genetics (formerly Invitae), Labcorp
Classification: Uncertain significance for Immunodeficiency 39. Last evaluated: 2018-12-26. Review status: criteria provided, single submitter. Criteria: Invitae Variant Classification Sherloc (09022015). Collection method: clinical testing. Allele origin: germline.
Comment: This sequence change replaces serine with leucine at codon 125 of the IRF7 protein (p.Ser125Leu). The serine residue is highly conserved and there is a large physicochemical difference between serine and leucine. The frequency data for this variant in the population databases is considered unreliable, as metrics indicate poor data quality at this position in the ExAC database. This variant has not been reported in the literature in individuals with IRF7-related conditions. Algorithms developed to predict the effect of missense changes on protein structure and function are either unavailable or do not agree on the potential impact of this missense change (SIFT: "Deleterious"; PolyPhen-2: "Probably Damaging"; Align-GVGD: "Class C0"). In summary, the available evidence is currently insufficient to determine the role of this variant in disease. Therefore, it has been classified as a Variant of Uncertain Significance.

NM_001572.5(IRF7):c.335C>T (p.Ser112Leu)

Gene: IRF7 (interferon regulatory factor 7; minus strand). Cytogenetic location: 11p15.5.
Variant type: single nucleotide variant.
Coding change: c.335C>T on transcript NM_001572.5 (MANE Select); coding-DNA position 335, C replaced by T.
Protein change: p.Ser112Leu; replaces serine 112 with leucine.
Molecular consequence: missense variant.
Genome position (GRCh38, 1-based): chr11:614,856, G>A on the plus strand (C>T on the coding strand, the complement: IRF7 is on the minus strand). VCF-style: chr11-614856-G-A. GRCh37 (hg19) VCF-style: chr11-614856-G-A.
Other names: c.335C>T, p.Ser112Leu (LRG_1313t1, NM_004029.4); c.374C>T, p.Ser125Leu (NM_004031.4); short protein forms S112L, S125L.
Identifiers: ClinVar variation 661117 (VCV000661117.8), dbSNP rs746896151, ClinGen allele CA5783993.